The following is an entry in ClinVar:

NM_021096.4(CACNA1I):c.6490C>A (p.Arg2164Ser)

Gene: CACNA1I (calcium voltage-gated channel subunit alpha1 I; plus strand). Cytogenetic location: 22q13.1.
Variant type: single nucleotide variant.
Coding change: c.6490C>A on transcript NM_021096.4 (MANE Select); coding-DNA position 6490, C replaced by A.
Protein change: p.Arg2164Ser; replaces arginine 2164 with serine.
Molecular consequence: missense variant.
Genome position (GRCh38, 1-based): chr22:39,686,223, C>A. VCF-style: chr22-39686223-C-A. GRCh37 (hg19) VCF-style: chr22-40082228-C-A.
Other names: c.6385C>A, p.Arg2129Ser (NM_001003406.2); short protein forms R2129S, R2164S.
Identifiers: ClinVar variation 4685322 (VCV004685322.1).

ClinVar aggregate classification (germline): Uncertain significance (1 of 4 stars; one submission).

Submission:

GeneDx
Classification: Uncertain significance. Last evaluated: 2025-07-10. Review status: criteria provided, single submitter. Criteria: GeneDx Variant Classification Process June 2021. Collection method: clinical testing. Allele origin: germline. Affected: yes.
Comment: Not observed at significant frequency in large population cohorts (gnomAD); In silico analysis suggests that this missense variant does not alter protein structure/function; Has not been previously published as pathogenic or benign to our knowledge.